The following is an entry in ClinVar:

ClinVar aggregate classification (germline): Uncertain significance (1 of 4 stars; one submission).

Submission:

GeneDx
Classification: Uncertain significance. Last evaluated: 2025-06-13. Review status: criteria provided, single submitter. Criteria: GeneDx Variant Classification Process June 2021. Collection method: clinical testing. Allele origin: germline. Affected: yes.
Comment: Not observed at significant frequency in large population cohorts (gnomAD); In silico analysis supports that this missense variant has a deleterious effect on protein structure/function; Has not been previously published as pathogenic or benign to our knowledge

NM_015202.5(KATNIP):c.3230A>C (p.Asn1077Thr)

Gene: KATNIP (katanin interacting protein; plus strand). Cytogenetic location: 16p12.1.
Variant type: single nucleotide variant.
Coding change: c.3230A>C on transcript NM_015202.5 (MANE Select); coding-DNA position 3230, A replaced by C.
Protein change: p.Asn1077Thr; replaces asparagine 1077 with threonine.
Molecular consequence: missense variant.
Genome position (GRCh38, 1-based): chr16:27,750,190, A>C. VCF-style: chr16-27750190-A-C. GRCh37 (hg19) VCF-style: chr16-27761511-A-C.
Other names: short protein forms N1077T.
Identifiers: ClinVar variation 4538087 (VCV004538087.1).